The following is an entry in ClinVar:

ClinVar aggregate classification (germline): Pathogenic. Review status: reviewed by expert panel (3 of 4 stars). 5 submissions from 5 submitters: Pathogenic (1). 4 of the submissions do not count toward it. Last evaluated 2016-09-08.

Conditions:
Breast-ovarian cancer, familial, susceptibility to, 2 (BROVCA2). Also called: BRCA2 Hereditary Breast and Ovarian Cancer. Identifiers: Orphanet 145, MedGen C2675520, MONDO:0012933, OMIM 612555. Disease mechanism: loss of function.

Submissions (5):

Evidence-based Network for the Interpretation of Germline Mutant Alleles (ENIGMA)
Classification: Pathogenic for Breast-ovarian cancer, familial, susceptibility to, 2. Last evaluated: 2016-09-08. Review status: reviewed by expert panel. Criteria: ENIGMA BRCA1/2 Classification Criteria (2015). Collection method: curation. Allele origin: germline.
Comment: Variant allele predicted to encode a truncated non-functional protein.

Consortium of Investigators of Modifiers of BRCA1/2 (CIMBA), c/o University of Cambridge
Classification: Pathogenic for Breast-ovarian cancer, familial, susceptibility to, 2. Last evaluated: 2015-10-02. Review status: criteria provided, single submitter. Criteria: CIMBA Mutation Classification guidelines May 2016. Collection method: clinical testing. Allele origin: germline. Not counted in ClinVar's aggregate classification.

Clinical Genetics and Genomics, Karolinska University Hospital
Classification: Pathogenic. Last evaluated: 2015-04-28. Review status: criteria provided, single submitter. Criteria: ACMG Guidelines, 2015. Collection method: clinical testing. Allele origin: germline. Affected: yes. Observed: 1 variant allele. Not counted in ClinVar's aggregate classification.

Molecular Oncology, Hospital Universitario Central de Asturias (HUCA)
Classification: Pathogenic for Breast-ovarian cancer, familial, susceptibility to, 2. Last evaluated: 2021-05-24. Review status: no assertion criteria provided. Collection method: case-control. Allele origin: germline. Affected: yes. Not counted in ClinVar's aggregate classification.

Breast Cancer Information Core (BIC) (BRCA2)
Classification: Pathogenic for Breast-ovarian cancer, familial 2. Review status: no assertion criteria provided. Collection method: clinical testing. Allele origin: germline. Affected: yes. Observed: 1 variant allele. Not counted in ClinVar's aggregate classification.

Literature cited by the submitters: PubMed 38922859 (cited by Molecular Oncology, Hospital Universitario Central de Asturias (HUCA)).

NM_000059.4(BRCA2):c.6444_6447del (p.Ile2149fs)

Gene: BRCA2 (BRCA2 DNA repair associated; plus strand). Cytogenetic location: 13q13.1.
Variant type: Deletion.
Coding change: c.6444_6447del on transcript NM_000059.4 (MANE Select); coding-DNA positions 6444 to 6447, 4 bases deleted (TATT; older notation c.6444_6447delTATT).
Protein change: p.Ile2149fs; shifts the reading frame from isoleucine 2149.
Molecular consequence: frameshift variant.
Genome position (GRCh38, 1-based): chr13:32,340,799-32,340,802, TATT deleted. VCF-style (leftmost placement, unchanged base first): chr13-32340798-CTATT-C. GRCh37 (hg19) VCF-style: chr13-32914935-CTATT-C.
Other names: 6672del4; c.6444_6447delTATT (NM_000059.3).
Identifiers: ClinVar variation 52098 (VCV000052098.7), dbSNP rs80359591, ClinGen allele CA024046.